The following is an entry in ClinVar:

NM_031206.7(LAS1L):c.1243C>T (p.Arg415Trp)

Gene: LAS1L (LAS1 like ribosome biogenesis factor; minus strand). Cytogenetic location: Xq12.
Variant type: single nucleotide variant.
Coding change: c.1243C>T on transcript NM_031206.7 (MANE Select); coding-DNA position 1243, C replaced by T.
Protein change: p.Arg415Trp; replaces arginine 415 with tryptophan.
Molecular consequence: missense variant. On other transcripts: non-coding transcript variant (1).
Genome position (GRCh38, 1-based): chrX:65,524,113, G>A on the plus strand (C>T on the coding strand, the complement: LAS1L is on the minus strand). VCF-style: chrX-65524113-G-A. GRCh37 (hg19) VCF-style: chrX-64743993-G-A.
Other names: c.1192C>T, p.Arg398Trp (NM_001170649.2, NM_001375331.1, NM_001375333.1 and 2 more transcripts); c.1066C>T, p.Arg356Trp (NM_001170650.2); c.1243C>T, p.Arg415Trp (NM_001375328.1, NM_001375329.1, NM_001375330.1 and 2 more transcripts); c.286C>T, p.Arg96Trp (NM_001375332.1); short protein forms R415W, R398W, R356W, R96W.
Identifiers: ClinVar variation 374326 (VCV000374326.14), dbSNP rs1057518699, ClinGen allele CA16043714.

ClinVar aggregate classification (germline): Pathogenic/Likely pathogenic. Review status: criteria provided, multiple submitters, no conflicts (2 of 4 stars). 4 submissions from 4 submitters: Pathogenic (1); Likely pathogenic (1). 2 of the submissions do not count toward it. Last evaluated 2025-06-30.

Conditions:
Global developmental delay (DD). Also called: Cognitive delay. Identifiers: MedGen C0557874, HP:0001263. Disease mechanism: loss of function.
Wilson-Turner syndrome (WTS). Also called: INTELLECTUAL DEVELOPMENTAL DISORDER, X-LINKED, SYNDROMIC, WILSON-TURNER TYPE; MENTAL RETARDATION, X-LINKED, SYNDROMIC 6. Identifiers: Orphanet 3459, MedGen C1839736, MONDO:0010665, OMIM 309585.

Submissions (4):

GeneDx
Classification: Pathogenic. Last evaluated: 2025-06-30. Review status: criteria provided, single submitter. Criteria: GeneDx Variant Classification Process June 2021. Collection method: clinical testing. Allele origin: germline. Affected: yes.
Comment: Not observed at significant frequency in large population cohorts (gnomAD); In silico analysis supports that this missense variant has a deleterious effect on protein structure/function; This variant is associated with the following publications: (PMID: 25644381, 30144322, 27959697)

Labcorp Genetics (formerly Invitae), Labcorp
Classification: Likely pathogenic for Wilson-Turner syndrome. Last evaluated: 2023-01-20. Review status: criteria provided, single submitter. Criteria: Invitae Variant Classification Sherloc (09022015). Collection method: clinical testing. Allele origin: germline.
Comment: In summary, the currently available evidence indicates that the variant is pathogenic, but additional data are needed to prove that conclusively. Therefore, this variant has been classified as Likely Pathogenic. Advanced modeling of protein sequence and biophysical properties (such as structural, functional, and spatial information, amino acid conservation, physicochemical variation, residue mobility, and thermodynamic stability) performed at Invitae indicates that this missense variant is expected to disrupt LAS1L protein function. ClinVar contains an entry for this variant (Variation ID: 374326). This missense change has been observed in individuals with Wilson-Turner Syndrome (PMID: 25644381). It has also been observed to segregate with disease in related individuals. This variant is not present in population databases (gnomAD no frequency). This sequence change replaces arginine, which is basic and polar, with tryptophan, which is neutral and slightly polar, at codon 415 of the LAS1L protein (p.Arg415Trp).

OMIM
Classification: Pathogenic for INTELLECTUAL DEVELOPMENTAL DISORDER, X-LINKED, SYNDROMIC, WILSON-TURNER TYPE. Last evaluated: 2021-08-20. Review status: no assertion criteria provided. Collection method: literature only. Allele origin: germline. Not counted in ClinVar's aggregate classification.

Baylor Genetics
Classification: Likely pathogenic for Global developmental delay. Last evaluated: 2015-05-14. Review status: no assertion criteria provided. Collection method: clinical testing. Allele origin: de novo. Inheritance: X-linked inheritance. Affected: yes. Observed: 1 variant allele, 1 hemizygote. Not counted in ClinVar's aggregate classification.
Comment: This variant has been reported to cause intellectual disability in multiple affected male members within the same family [PMID 25644381]. A second pathogenic variant, in GLI3 (NM_000168.5, c.2252delA), was also reported in this individual.

Literature cited by the submitters: PubMed 25644381 (cited by 3 submitters).